The following is an entry in ClinVar:

NM_002206.3(ITGA7):c.671-9C>T

Gene: ITGA7 (integrin subunit alpha 7; minus strand). Cytogenetic location: 12q13.2.
Variant type: single nucleotide variant.
Coding change: c.671-9C>T on transcript NM_002206.3 (MANE Select); 9 bases into the intron before coding-DNA position 671, C replaced by T.
Molecular consequence: intron variant.
Genome position (GRCh38, 1-based): chr12:55,699,998, G>A on the plus strand (C>T on the coding strand, the complement: ITGA7 is on the minus strand). VCF-style: chr12-55699998-G-A. GRCh37 (hg19) VCF-style: chr12-56093782-G-A.
Other names: c.511+264C>T (NM_001144997.2); c.463+264C>T (NM_001367993.1); c.332-9C>T (NM_001414035.1); c.488-9C>T (NM_001414033.1); c.-503+901C>T (NM_001367994.1); c.670+901C>T (NM_001414032.1); c.671-9C>T (NM_001414031.1, NM_001374465.1, NM_001414034.1); c.802+264C>T (NM_001414030.1, NM_001414029.1, NM_001144996.2); and 1 more.
Identifiers: ClinVar variation 772013 (VCV000772013.12), dbSNP rs759306932, ClinGen allele CA6616199.

ClinVar aggregate classification (germline): Likely benign. Review status: criteria provided, multiple submitters, no conflicts (2 of 4 stars). 2 submissions from 2 submitters: Likely benign (2). Last evaluated 2026-01-07.

Conditions:
ITGA7-related disorder. Also called: ITGA7-related condition.
Congenital muscular dystrophy due to integrin alpha-7 deficiency. Also called: Congenital muscular dystrophy with integrin alpha-7 deficiency; Muscular dystrophy, congenital, due to ITGA7 deficiency; MYOPATHY, CONGENITAL, DUE TO INTEGRIN ALPHA-7 DEFICIENCY. Identifiers: Orphanet 34520, MedGen C2750786, MONDO:0013177, OMIM 613204.

Allele frequency attached by ClinVar (database versions not stated): ExAC 0.00002; gnomAD exomes 0.00002 and 0.00013; gnomAD 0.00004; TOPMed 0.00005.
gnomAD v4.1: 197 of 1,613,888 alleles (0.012%); highest among the groups gnomAD compares: Non-Finnish European, 0.016%; 1 homozygote.

Submissions (2):

Labcorp Genetics (formerly Invitae), Labcorp
Classification: Likely benign for Congenital muscular dystrophy due to integrin alpha-7 deficiency. Last evaluated: 2026-01-07. Review status: criteria provided, single submitter. Criteria: Invitae Variant Classification Sherloc (09022015). Collection method: clinical testing. Allele origin: germline.

PreventionGenetics, part of Exact Sciences
Classification: Likely benign for ITGA7-related condition. Last evaluated: 2025-08-13. Review status: criteria provided, single submitter. Criteria: ACMG Guidelines, 2015. Collection method: clinical testing. Allele origin: germline.
Comment: This variant is classified as likely benign based on ACMG/AMP sequence variant interpretation guidelines (Richards et al. 2015 PMID: 25741868, with internal and published modifications).